The following is an entry in ClinVar:

NM_177438.3(DICER1):c.1885A>G (p.Thr629Ala)

Gene: DICER1 (dicer 1, ribonuclease III; minus strand). Cytogenetic location: 14q32.13.
Variant type: single nucleotide variant.
Coding change: c.1885A>G on transcript NM_177438.3 (MANE Select); coding-DNA position 1885, A replaced by G.
Protein change: p.Thr629Ala; replaces threonine 629 with alanine.
Molecular consequence: missense variant. On other transcripts: non-coding transcript variant (6).
Genome position (GRCh38, 1-based): chr14:95,115,689, T>C on the plus strand (A>G on the coding strand, the complement: DICER1 is on the minus strand). VCF-style: chr14-95115689-T-C. GRCh37 (hg19) VCF-style: chr14-95582026-T-C.
Other names: c.1885A>G, p.Thr629Ala (NM_001195573.1, NM_001271282.3, NM_001291628.2 and 13 more transcripts); c.1480A>G, p.Thr494Ala (NM_001395689.1, NM_001395690.1, NM_001395687.1 and 3 more transcripts); c.1318A>G, p.Thr440Ala (NM_001395691.1); c.1603A>G, p.Thr535Ala (NM_001395686.1); c.202A>G, p.Thr68Ala (NM_001395697.1); short protein forms T440A, T535A, T629A, T68A, T494A.
Identifiers: ClinVar variation 1948622 (VCV001948622.5), dbSNP rs1177614630, ClinGen allele CA390883923.
Genomic context (GRCh38, chr14:95,115,689, plus strand): 5'-ATTCCCAGGTTTTCCACACAAATGATATGATGCCATACCTATTGATGTGTCCAATGGCCG[T>C]GTTGATTGTGACTCGTGGACCACCATCGTCAGGCCTCAACACATATGGTGGGAAAACGTC-3'
Protein context (NP_803187.1, residues 619-639): DDGGPRVTIN[Thr629Ala]AIGHINRYCA

ClinVar aggregate classification (germline): Uncertain significance (1 of 4 stars; one submission).

Conditions:
DICER1-related tumor predisposition. Also called: DICER1-related pleuropulmonary blastoma cancer predisposition syndrome; DICER1 syndrome. Identifiers: Orphanet 284343, MedGen C3839822, MONDO:0100216.

Submission:

Labcorp Genetics (formerly Invitae), Labcorp
Classification: Uncertain significance for DICER1-related tumor predisposition. Last evaluated: 2023-07-17. Review status: criteria provided, single submitter. Criteria: Invitae Variant Classification Sherloc (09022015). Collection method: clinical testing. Allele origin: germline.
Comment: This variant has not been reported in the literature in individuals affected with DICER1-related conditions. This variant is present in population databases (no rsID available, gnomAD 0.0009%). This sequence change replaces threonine, which is neutral and polar, with alanine, which is neutral and non-polar, at codon 629 of the DICER1 protein (p.Thr629Ala). ClinVar contains an entry for this variant (Variation ID: 1948622). In summary, the available evidence is currently insufficient to determine the role of this variant in disease. Therefore, it has been classified as a Variant of Uncertain Significance. Advanced modeling of protein sequence and biophysical properties (such as structural, functional, and spatial information, amino acid conservation, physicochemical variation, residue mobility, and thermodynamic stability) performed at Invitae indicates that this missense variant is not expected to disrupt DICER1 protein function.